The following is an entry in ClinVar:

ClinVar aggregate classification (germline): Uncertain significance (1 of 4 stars; one submission).

Conditions:
Nephronophthisis. Also called: Juvenile Nephronophthisis. Identifiers: Orphanet 655, MedGen C0687120, MONDO:0019005, HP:0000090.

Allele frequency attached by ClinVar (database versions not stated): ExAC 0.00001; gnomAD exomes below 0.00001.
gnomAD v4.1: 1 of 1,614,042 alleles (0.000062%); highest among the groups gnomAD compares: Non-Finnish European, 0.000085%; no homozygotes.

Submission:

Labcorp Genetics (formerly Invitae), Labcorp
Classification: Uncertain significance for Nephronophthisis. Last evaluated: 2025-04-16. Review status: criteria provided, single submitter. Criteria: Invitae Variant Classification Sherloc (09022015). Collection method: clinical testing. Allele origin: germline.
Comment: This sequence change replaces glutamic acid, which is acidic and polar, with lysine, which is basic and polar, at codon 1417 of the NPHP4 protein (p.Glu1417Lys). This variant is present in population databases (rs746775119, gnomAD 0.0009%). This variant has not been reported in the literature in individuals affected with NPHP4-related conditions. ClinVar contains an entry for this variant (Variation ID: 1386544). Invitae Evidence Modeling of protein sequence and biophysical properties (such as structural, functional, and spatial information, amino acid conservation, physicochemical variation, residue mobility, and thermodynamic stability) indicates that this missense variant is expected to disrupt NPHP4 protein function with a positive predictive value of 80%. In summary, the available evidence is currently insufficient to determine the role of this variant in disease. Therefore, it has been classified as a Variant of Uncertain Significance.

NM_015102.5(NPHP4):c.4249G>A (p.Glu1417Lys)

Gene: NPHP4 (nephrocystin 4; minus strand). Cytogenetic location: 1p36.31.
Variant type: single nucleotide variant.
Coding change: c.4249G>A on transcript NM_015102.5 (MANE Select); coding-DNA position 4249, G replaced by A.
Protein change: p.Glu1417Lys; replaces glutamic acid 1417 with lysine.
Molecular consequence: missense variant. On other transcripts: non-coding transcript variant (1).
Genome position (GRCh38, 1-based): chr1:5,863,297, C>T on the plus strand (G>A on the coding strand, the complement: NPHP4 is on the minus strand). VCF-style: chr1-5863297-C-T. GRCh37 (hg19) VCF-style: chr1-5923357-C-T.
Other names: c.2710G>A, p.Glu904Lys (NM_001291593.2); c.2713G>A, p.Glu905Lys (NM_001291594.2); short protein forms E1417K, E905K, E904K.
Identifiers: ClinVar variation 1386544 (VCV001386544.6), dbSNP rs746775119, ClinGen allele CA553290.